The following is an entry in ClinVar:

ClinVar aggregate classification (germline): Uncertain significance (1 of 4 stars; one submission).

Submission:

GeneDx
Classification: Uncertain significance. Last evaluated: 2024-04-02. Review status: criteria provided, single submitter. Criteria: GeneDx Variant Classification Process June 2021. Collection method: clinical testing. Allele origin: germline. Affected: yes.
Comment: Intronic +5 splice site variant in a gene for which loss of function is a known mechanism of disease, and both splice predictors and evolutionary conservation support a deleterious effect, although in the absence of functional evidence the actual effect of this sequence change is unknown; Not observed at significant frequency in large population cohorts (gnomAD); Has not been previously published as pathogenic or benign to our knowledge

NM_000094.4(COL7A1):c.5097+5G>C

Gene: COL7A1 (collagen type VII alpha 1 chain; minus strand). Cytogenetic location: 3p21.31.
Variant type: single nucleotide variant.
Coding change: c.5097+5G>C on transcript NM_000094.4 (MANE Select); 5 bases into the intron after coding-DNA position 5097, G replaced by C.
Molecular consequence: intron variant.
Genome position (GRCh38, 1-based): chr3:48,580,295, C>G on the plus strand (G>C on the coding strand, the complement: COL7A1 is on the minus strand). VCF-style: chr3-48580295-C-G. GRCh37 (hg19) VCF-style: chr3-48617728-C-G.
Identifiers: ClinVar variation 3372015 (VCV003372015.1).